The following is an entry in ClinVar:

ClinVar aggregate classification (germline): Likely benign. Review status: criteria provided, multiple submitters, no conflicts (2 of 4 stars). 2 submissions from 2 submitters: Likely benign (2). Last evaluated 2020-10-01.

Conditions:
Familial sleep-related hypermotor epilepsy. Also called: Autosomal Dominant Sleep-Related Hypermotor (Hyperkinetic) Epilepsy. Identifiers: Orphanet 98784, MedGen C3696898, MONDO:0000030.

Allele frequency attached by ClinVar (database versions not stated): gnomAD 0.00001; gnomAD exomes 0.00001 and 0.00004; ExAC 0.00006.
gnomAD v4.1: 16 of 1,574,240 alleles (0.001%); highest among the groups gnomAD compares: South Asian, 0.01%; no homozygotes.

Submissions (2):

Labcorp Genetics (formerly Invitae), Labcorp
Classification: Likely benign. Last evaluated: 2020-10-01. Review status: criteria provided, single submitter. Criteria: Invitae Variant Classification Sherloc (09022015). Collection method: clinical testing. Allele origin: germline.

GeneDx
Classification: Likely benign. Last evaluated: 2016-01-05. Review status: criteria provided, single submitter. Criteria: GeneDx Variant Classification (06012015). Collection method: clinical testing. Allele origin: germline. Affected: yes.
Comment: This variant is considered likely benign or benign based on one or more of the following criteria: it is a conservative change, it occurs at a poorly conserved position in the protein, it is predicted to be benign by multiple in silico algorithms, and/or has population frequency not consistent with disease.

NM_000748.3(CHRNB2):c.1087C>T (p.Leu363=)

Gene: CHRNB2 (cholinergic receptor nicotinic beta 2 subunit; plus strand). Cytogenetic location: 1q21.3.
Variant type: single nucleotide variant.
Coding change: c.1087C>T on transcript NM_000748.3 (MANE Select); coding-DNA position 1087, C replaced by T.
Protein change: p.Leu363=; no amino-acid change (leucine 363 retained).
Molecular consequence: synonymous variant.
Genome position (GRCh38, 1-based): chr1:154,571,910, C>T. VCF-style: chr1-154571910-C-T. GRCh37 (hg19) VCF-style: chr1-154544386-C-T.
Identifiers: ClinVar variation 382618 (VCV000382618.9), dbSNP rs201040879, ClinGen allele CA1130828.